The following is an entry in ClinVar:

ClinVar aggregate classification (germline): Likely pathogenic (0 of 4 stars; one submission).

Conditions:
TCOF1-related disorder. Also called: TCOF1-related condition.

Submission:

PreventionGenetics, part of Exact Sciences
Classification: Likely pathogenic for TCOF1-related condition. Last evaluated: 2024-02-01. Review status: no assertion criteria provided. Collection method: clinical testing. Allele origin: germline.
Comment: The TCOF1 c.1974delT variant is predicted to result in a frameshift and premature protein termination (p.Val659Cysfs*52). To our knowledge, this variant has not been reported in the literature or in a large population database, indicating this variant is rare. Frameshift variants in TCOF1 are expected to be pathogenic; and, a different nucleotide change resulting in a similar loss of function variant (c.1973delC, p.P658Lfsx53) has been reported in an individual with Treacher Collins syndrome (Conte et al. 2011. PubMed ID: 21951868). In summary, the c.1974del (p.Val659Cysfs*52) variant is interpreted as likely pathogenic.

NM_001371623.1(TCOF1):c.1974del (p.Val659fs)

Gene: TCOF1 (treacle ribosome biogenesis factor 1; plus strand). Cytogenetic location: 5q32.
Variant type: Deletion.
Coding change: c.1974del on transcript NM_001371623.1 (MANE Select); coding-DNA position 1974, one base deleted (T; older notation c.1974delT).
Protein change: p.Val659fs; shifts the reading frame from valine 659.
Molecular consequence: frameshift variant.
Genome position (GRCh38, 1-based): chr5:150,376,162, T deleted. VCF-style (leftmost placement, unchanged base first): chr5-150376161-CT-C. GRCh37 (hg19) VCF-style: chr5-149755724-CT-C.
Other names: c.1743del, p.Val582fs (NM_000356.4, NM_001135245.2); c.1974del, p.Val659fs (NM_001008657.3, NM_001135243.2, NM_001135244.2 and 1 more transcripts); short protein forms V582fs, V659fs.
Identifiers: ClinVar variation 3061376 (VCV003061376.2), dbSNP rs2533510123, ClinGen allele CA2740094144.